The following is an entry in ClinVar:

NM_003640.5(ELP1):c.303+3A>G

Gene: ELP1 (elongator acetyltransferase complex subunit 1; minus strand). Cytogenetic location: 9q31.3.
Variant type: single nucleotide variant.
Coding change: c.303+3A>G on transcript NM_003640.5 (MANE Select); 3 bases into the intron after coding-DNA position 303, A replaced by G.
Molecular consequence: intron variant.
Genome position (GRCh38, 1-based): chr9:108,929,766, T>C on the plus strand (A>G on the coding strand, the complement: ELP1 is on the minus strand). VCF-style: chr9-108929766-T-C. GRCh37 (hg19) VCF-style: chr9-111692046-T-C.
Other names: c.-40+3A>G (NM_001318360.2); c.-557+3A>G (NM_001330749.2); c.303+3A>G (LRG_251t1).
Identifiers: ClinVar variation 526189 (VCV000526189.7), dbSNP rs766433871, ClinGen allele CA197530541.

ClinVar aggregate classification (germline): Uncertain significance. Review status: criteria provided, single submitter (1 of 4 stars). 2 submissions from 2 submitters: Uncertain significance (1). 1 of the submissions does not count toward it. Last evaluated 2020-02-21.

Conditions:
Familial dysautonomia. Also called: FD; HSAN III. Identifiers: Orphanet 1764, MedGen C0013364, MONDO:0009131, OMIM 223900. Disease mechanism: loss of function.

Allele frequency attached by ClinVar (database versions not stated): gnomAD 0.00001; TOPMed 0.00001.
gnomAD v4.1: 2 of 1,613,952 alleles (0.00012%); highest among the groups gnomAD compares: African/African-American, 0.0027%; no homozygotes.

Submissions (2):

Labcorp Genetics (formerly Invitae), Labcorp
Classification: Uncertain significance. Last evaluated: 2020-02-21. Review status: criteria provided, single submitter. Criteria: Invitae Variant Classification Sherloc (09022015). Collection method: clinical testing. Allele origin: germline.
Comment: This sequence change falls in intron 3 of the IKBKAP gene. It does not directly change the encoded amino acid sequence of the IKBKAP protein, but it affects a nucleotide within the consensus splice site of the intron. This variant is not present in population databases (ExAC no frequency). This variant has not been reported in the literature in individuals with IKBKAP-related disease. Nucleotide substitutions within the consensus splice site are a relatively common cause of aberrant splicing (PMID: 17576681, 9536098). Algorithms developed to predict the effect of sequence changes on RNA splicing suggest that this variant is not likely to affect RNA splicing, but this prediction has not been confirmed by published transcriptional studies. In summary, the available evidence is currently insufficient to determine the role of this variant in disease. Therefore, it has been classified as a Variant of Uncertain Significance.

Natera, Inc.
Classification: Uncertain significance for Familial dysautonomia. Last evaluated: 2020-07-27. Review status: no assertion criteria provided. Collection method: clinical testing. Allele origin: germline. Not counted in ClinVar's aggregate classification.

Literature cited by the submitters: PubMed 17576681 (cited by Labcorp Genetics (formerly Invitae), Labcorp); PubMed 9536098 (cited by Labcorp Genetics (formerly Invitae), Labcorp).